The following is an entry in ClinVar:

NM_001009944.3(PKD1):c.3820G>A (p.Val1274Met)

Gene: PKD1 (polycystin 1, transient receptor potential channel interacting; minus strand). Cytogenetic location: 16p13.3.
Variant type: single nucleotide variant.
Coding change: c.3820G>A on transcript NM_001009944.3 (MANE Select); coding-DNA position 3820, G replaced by A.
Protein change: p.Val1274Met; replaces valine 1274 with methionine.
Molecular consequence: missense variant.
Genome position (GRCh38, 1-based): chr16:2,111,347, C>T on the plus strand (G>A on the coding strand, the complement: PKD1 is on the minus strand). VCF-style: chr16-2111347-C-T. GRCh37 (hg19) VCF-style: chr16-2161348-C-T.
Other names: c.3820G>A, p.Val1274Met (NM_000296.4); short protein forms V1274M.
Identifiers: ClinVar variation 4887197 (VCV004887197.1).

ClinVar aggregate classification (germline): Uncertain significance (1 of 4 stars; one submission).

gnomAD v4.1: 7 of 1,609,576 alleles (0.00043%); highest among the groups gnomAD compares: African/African-American, 0.0013%; no homozygotes.

Submission:

Women's Health and Genetics/Laboratory Corporation of America, LabCorp
Classification: Uncertain significance. Last evaluated: 2026-06-16. Review status: criteria provided, single submitter. Criteria: LabCorp Variant Classification Summary - May 2015. Collection method: clinical testing. Allele origin: germline.
Comment: Variant summary: PKD1 c.3820G>A (p.Val1274Met) results in a conservative amino acid change in the encoded protein sequence. Algorithms developed to predict the effect of missense changes on protein structure and function are either unavailable or do not agree on the potential impact of this missense change. The variant allele was found at a frequency of 4.2e-06 in 236886 control chromosomes (gnomAD). c.3820G>A has been observed in the literature in individuals affected with very early onset Polycystic Kidney Disease with an apparent autosomal recessive inheritance (e.g. Bergmann_2011, Garel_2019). In one family, the variant occured in the homozygous state, but on one chromosome was part of a complex allele with another missense change of uncertain significance. Furthermore, neither allele was associated with cysts or abnormal ultrasound in the carrier parents. These data indicate that the variant may be associated with disease as a hypomorphic variant in the homozygous state, although no evidence was found from individuals who were compound heterozygous with a known causal variant. To our knowledge, no experimental evidence demonstrating an impact on protein function has been reported. The following publications have been ascertained in the context of this evaluation (PMID: 22034641, 30631912, 34906519). No submitters have cited clinical-significance assessments for this variant to ClinVar. Based on the evidence outlined above, the variant was classified as VUS-possibly pathogenic.

Literature cited by the submitters: PubMed 34906519; PubMed 22034641; PubMed 30631912.